The following is an entry in ClinVar:

NM_001365536.1(SCN9A):c.1287T>A (p.Arg429=)

Genes: SCN9A (sodium voltage-gated channel alpha subunit 9; minus strand), SCN1A-AS1 (SCN1A and SCN9A antisense RNA 1; plus strand). Cytogenetic location: 2q24.3.
Variant type: single nucleotide variant.
Coding change: c.1287T>A on transcript NM_001365536.1 (MANE Select); coding-DNA position 1287, T replaced by A.
Protein change: p.Arg429=; no amino-acid change (arginine 429 retained).
Molecular consequence: synonymous variant.
Genome position (GRCh38, 1-based): chr2:166,288,464, A>T on the plus strand (T>A on the coding strand, the complement: SCN9A is on the minus strand). VCF-style: chr2-166288464-A-T. GRCh37 (hg19) VCF-style: chr2-167144974-A-T.
Other names: p.Arg429=; c.1287T>A, p.Arg429= (NM_002977.4).
Identifiers: ClinVar variation 130257 (VCV000130257.31), dbSNP rs6747673, ClinGen allele CA155110.

ClinVar aggregate classification (germline): Benign/Likely benign. Review status: criteria provided, multiple submitters, no conflicts (2 of 4 stars). 17 submissions from 13 submitters: Benign (14); Likely benign (1). 2 of the submissions do not count toward it. Last evaluated 2026-02-04.

Conditions:
Paroxysmal extreme pain disorder (PEXPD). Also called: SCN9A Paroxysmal Extreme Pain Disorder (SCN9A-PEPD); PAIN, SUBMANDIBULAR, OCULAR, AND RECTAL, WITH FLUSHING; RECTAL PAIN, FAMILIAL. Identifiers: Orphanet 46348, MedGen C1833661, MONDO:0008179, OMIM 167400.
Channelopathy-associated congenital insensitivity to pain, autosomal recessive. Also called: Insensitivity to pain, channelopathy-associated; ASYMBOLIA FOR PAIN; CONGENITAL ANALGESIA, AUTOSOMAL RECESSIVE. Identifiers: Orphanet 88642, Orphanet 970, MedGen C1855739, MONDO:0009459, OMIM 243000.
Primary erythromelalgia. Also called: SCN9A Erythromelalgia (SCN9A-EM); primary erythermalgia. Identifiers: Orphanet 306577, Orphanet 90026, MedGen C0014805, MONDO:0007571, OMIM 133020.
Neuropathy, hereditary sensory and autonomic, type 2A (HSAN2A). Also called: WNK1-Related HSAN2 (HSAN2A); HSAN IIA; MORVAN DISEASE; NEUROPATHY, CONGENITAL SENSORY; NEUROPATHY, HEREDITARY SENSORY RADICULAR, AUTOSOMAL RECESSIVE; NEUROPATHY, HEREDITARY SENSORY, TYPE IIA. Identifiers: Orphanet 970, MedGen C2752089, MONDO:0024309, OMIM 201300.
Generalized epilepsy with febrile seizures plus, type 7 (GEFSP7). Also called: GEFS+, TYPE 7. Identifiers: Orphanet 36387, MedGen C2751778, MONDO:0013470, OMIM 613863.

Allele frequency attached by ClinVar (database versions not stated): gnomAD exomes 0.47959 and 0.49327; ExAC 0.49441; 1000 Genomes Project 0.54673; 1000 Genomes Project 30x 0.54950; gnomAD 0.55947 and 0.56670; ESP Exome Variant Server 0.56237; TOPMed 0.56632.
gnomAD v4.1: 780,734 of 1,601,758 alleles (49%); highest among the groups gnomAD compares: African/African-American, 76%; 195,323 homozygotes.

Submissions (17):

Labcorp Genetics (formerly Invitae), Labcorp
Classification: Benign for Neuropathy, hereditary sensory and autonomic, type 2A; Generalized epilepsy with febrile seizures plus, type 7. Last evaluated: 2026-02-04. Review status: criteria provided, single submitter. Criteria: Invitae Variant Classification Sherloc (09022015). Collection method: clinical testing. Allele origin: germline.

Blueprint Genetics
Classification: Likely benign. Last evaluated: 2024-11-26. Review status: criteria provided, single submitter. Criteria: ACMG Guidelines, 2015. Collection method: clinical testing. Allele origin: germline.

Unidad de Genómica Garrahan, Hospital de Pediatría Garrahan
Classification: Benign. Last evaluated: 2024-07-15. Review status: criteria provided, single submitter. Criteria: ACMG Guidelines, 2015. Collection method: clinical testing. Allele origin: germline. Affected: no. Observed: 54 variant alleles.
Comment: This variant is classified as Benign based on local population frequency. This variant was detected in 58% of patients studied in a panel designed for Epileptic and Developmental Encephalopathy and Progressive Myoclonus Epilepsy. Number of patients: 54. Only high quality variants are reported.

Genome-Nilou Lab
Classification: Benign for Primary erythromelalgia. Last evaluated: 2021-07-15. Review status: criteria provided, single submitter. Criteria: ACMG Guidelines, 2015. Collection method: clinical testing. Allele origin: germline. Affected: no.

Genome-Nilou Lab
Classification: Benign for Channelopathy-associated congenital insensitivity to pain, autosomal recessive. Last evaluated: 2021-07-15. Review status: criteria provided, single submitter. Criteria: ACMG Guidelines, 2015. Collection method: clinical testing. Allele origin: germline. Affected: no.

Genome-Nilou Lab
Classification: Benign for Paroxysmal extreme pain disorder. Last evaluated: 2021-07-15. Review status: criteria provided, single submitter. Criteria: ACMG Guidelines, 2015. Collection method: clinical testing. Allele origin: germline. Affected: no.

Athena Diagnostics
Classification: Benign. Last evaluated: 2018-05-07. Review status: criteria provided, single submitter. Criteria: Athena Diagnostics Criteria. Collection method: clinical testing. Allele origin: germline.

Illumina Laboratory Services, Illumina
Classification: Benign for Channelopathy-associated congenital insensitivity to pain, autosomal recessive. Last evaluated: 2018-01-12. Review status: criteria provided, single submitter. Criteria: ICSL Variant Classification Criteria 13 December 2019. Collection method: clinical testing. Allele origin: germline.
Comment: This variant was observed in the ICSL laboratory as part of a predisposition screen in an ostensibly healthy population. It had not been previously curated by ICSL or reported in the Human Gene Mutation Database (HGMD: prior to June 1st, 2018), and was therefore a candidate for classification through an automated scoring system. Utilizing variant allele frequency, disease prevalence and penetrance estimates, and inheritance mode, an automated score was calculated to assess if this variant is too frequent to cause the disease. Based on the score and internal cut-off values, a variant classified as benign is not then subjected to further curation. The score for this variant resulted in a classification of benign for this disease.

Illumina Laboratory Services, Illumina
Classification: Benign for Paroxysmal extreme pain disorder. Last evaluated: 2018-01-12. Review status: criteria provided, single submitter. Criteria: ICSL Variant Classification Criteria 13 December 2019. Collection method: clinical testing. Allele origin: germline.
Comment: the same text as in the submission from Illumina Laboratory Services, Illumina above.

Illumina Laboratory Services, Illumina
Classification: Benign for Primary erythromelalgia. Last evaluated: 2018-01-12. Review status: criteria provided, single submitter. Criteria: ICSL Variant Classification Criteria 13 December 2019. Collection method: clinical testing. Allele origin: germline.
Comment: the same text as in the submission from Illumina Laboratory Services, Illumina above.

Mayo Clinic Laboratories, Mayo Clinic
Classification: Benign. Last evaluated: 2015-09-01. Review status: criteria provided, single submitter. Criteria: ACMG Guidelines, 2015. Collection method: clinical testing. Allele origin: germline. Observed: 1,445 variant alleles.

GeneDx
Classification: Benign. Last evaluated: 2015-03-03. Review status: criteria provided, single submitter. Criteria: GeneDx Variant Classification Process June 2021. Collection method: clinical testing. Allele origin: germline. Affected: yes.

Eurofins Ntd Llc (ga)
Classification: Benign. Last evaluated: 2014-07-04. Review status: criteria provided, single submitter. Criteria: EGL Classification Definitions 2015. Collection method: clinical testing. Allele origin: germline. Observed: 4 variant alleles, 1 heterozygote, 3 homozygotes.

Breakthrough Genomics
Classification: Benign. Review status: criteria provided, single submitter. Criteria: ACMG Guidelines, 2015. Collection method: not provided. Allele origin: germline. Inheritance: Autosomal recessive inheritance. Affected: yes.

PreventionGenetics, part of Exact Sciences
Classification: Benign. Review status: criteria provided, single submitter. Criteria: ACMG Guidelines, 2015. Collection method: clinical testing. Allele origin: germline.

Diagnostic Laboratory, Department of Genetics, University Medical Center Groningen
Classification: Benign. Review status: no assertion criteria provided. Collection method: clinical testing. Allele origin: germline. Affected: yes. Study: VKGL Data-share Consensus. Not counted in ClinVar's aggregate classification.

Genetic Services Laboratory, University of Chicago
Classification: Likely benign for AllHighlyPenetrant. Review status: no assertion criteria provided. Collection method: clinical testing. Allele origin: germline. Inheritance: Autosomal dominant inheritance. Not counted in ClinVar's aggregate classification.
Comment: Likely benign based on allele frequency in 1000 Genomes Project or ESP global frequency and its presence in a patient with a rare or unrelated disease phenotype. NOT Sanger confirmed.